The following is an entry in ClinVar:

NM_020779.4(WDR35):c.2777A>G (p.Tyr926Cys)

Gene: WDR35 (WD repeat domain 35; minus strand). Cytogenetic location: 2p24.1.
Variant type: single nucleotide variant.
Coding change: c.2777A>G on transcript NM_020779.4 (MANE Select); coding-DNA position 2777, A replaced by G.
Protein change: p.Tyr926Cys; replaces tyrosine 926 with cysteine.
Molecular consequence: missense variant.
Genome position (GRCh38, 1-based): chr2:19,932,329, T>C on the plus strand (A>G on the coding strand, the complement: WDR35 is on the minus strand). VCF-style: chr2-19932329-T-C. GRCh37 (hg19) VCF-style: chr2-20132090-T-C.
Other names: c.2810A>G, p.Tyr937Cys (NM_001006657.2); short protein forms Y937C, Y926C.
Identifiers: ClinVar variation 195803 (VCV000195803.22), dbSNP rs75602337, ClinGen allele CA242420.
Genomic context (GRCh38, chr2:19,932,329, plus strand): 5'-GATTTTTACATTACCTTAAACATCAGTTTAGCTGCATCAAAAAAGTAATTGGCTTTCCGA[T>C]AGAGTTCTATGGCATCAAGAGTTTTATTCTTTTCCAGTAAATGAGATGCATACCTAGCTA-3'
Protein context (NP_065830.2, residues 916-936): KNKTLDAIEL[Tyr926Cys]RKANYFFDAA

ClinVar aggregate classification (germline): Conflicting classifications of pathogenicity. Review status: criteria provided, conflicting classifications (1 of 4 stars). 6 submissions from 5 submitters: Uncertain significance (2); Likely benign (3). 1 of the submissions does not count toward it. Last evaluated 2026-01-04.

Conditions:
Cranioectodermal dysplasia 2 (CED2). Identifiers: Orphanet 1515, MedGen C3150874, MONDO:0013323, OMIM 613610.
WDR35-related disorder. Also called: WDR35-related disorders; WDR35-related condition. Identifiers: MedGen CN239419.
Short-rib thoracic dysplasia 7 with or without polydactyly (SRTD7). Also called: Short rib polydactyly syndrome 5; SHORT-RIB THORACIC DYSPLASIA 7 WITH POLYDACTYLY. Identifiers: Orphanet 498497, Orphanet 93271, MedGen C3279792, MONDO:0013569, OMIM 614091.

Allele frequency attached by ClinVar (database versions not stated): gnomAD 0.00013 and 0.00020; TOPMed 0.00032; gnomAD exomes 0.00053; ExAC 0.00054; 1000 Genomes Project 30x 0.00062; 1000 Genomes Project 0.00080.
gnomAD v4.1: 260 of 1,613,346 alleles (0.016%); highest among the groups gnomAD compares: East Asian, 0.42%; 1 homozygote.

Submissions (6):

Labcorp Genetics (formerly Invitae), Labcorp
Classification: Likely benign for Cranioectodermal dysplasia 2; Short-rib thoracic dysplasia 7 with or without polydactyly. Last evaluated: 2026-01-04. Review status: criteria provided, single submitter. Criteria: Invitae Variant Classification Sherloc (09022015). Collection method: clinical testing. Allele origin: germline.

GeneDx
Classification: Uncertain significance. Last evaluated: 2022-06-22. Review status: criteria provided, single submitter. Criteria: GeneDx Variant Classification Process June 2021. Collection method: clinical testing. Allele origin: germline. Affected: yes.
Comment: In silico analysis supports that this missense variant has a deleterious effect on protein structure/function; Has not been previously published as pathogenic or benign to our knowledge

Illumina Laboratory Services, Illumina
Classification: Likely benign for Cranioectodermal dysplasia 2. Last evaluated: 2018-01-13. Review status: criteria provided, single submitter. Criteria: ICSL Variant Classification Criteria 13 December 2019. Collection method: clinical testing. Allele origin: germline.
Comment: This variant was observed in the ICSL laboratory as part of a predisposition screen in an ostensibly healthy population. It had not been previously curated by ICSL or reported in the Human Gene Mutation Database (HGMD: prior to June 1st, 2018), and was therefore a candidate for classification through an automated scoring system. Utilizing variant allele frequency, disease prevalence and penetrance estimates, and inheritance mode, an automated score was calculated to assess if this variant is too frequent to cause the disease. Based on the score and internal cut-off values, a variant classified as likely benign is not then subjected to further curation. The score for this variant resulted in a classification of likely benign for this disease.

Illumina Laboratory Services, Illumina
Classification: Likely benign for Short-rib thoracic dysplasia 7 with or without polydactyly. Last evaluated: 2018-01-13. Review status: criteria provided, single submitter. Criteria: ICSL Variant Classification Criteria 13 December 2019. Collection method: clinical testing. Allele origin: germline.
Comment: the same text as in the submission from Illumina Laboratory Services, Illumina above.

Eurofins Ntd Llc (ga)
Classification: Uncertain significance. Last evaluated: 2014-10-20. Review status: criteria provided, single submitter. Criteria: EGL Classification Definitions 2015. Collection method: clinical testing. Allele origin: germline. Observed: 1 variant allele, 1 heterozygote.

PreventionGenetics, part of Exact Sciences
Classification: Likely benign for WDR35-related condition. Last evaluated: 2020-07-01. Review status: no assertion criteria provided. Collection method: clinical testing. Allele origin: germline. Not counted in ClinVar's aggregate classification.
Comment: This variant is classified as likely benign based on ACMG/AMP sequence variant interpretation guidelines (Richards et al. 2015 PMID: 25741868, with internal and published modifications).